The following is an entry in ClinVar:

ClinVar aggregate classification (germline): Uncertain significance. Review status: criteria provided, multiple submitters, no conflicts (2 of 4 stars). 6 submissions from 6 submitters: Uncertain significance (5). 1 of the submissions does not count toward it. Last evaluated 2026-07-08.

Conditions:
Familial adenomatous polyposis 1 (FAP1). Also called: FAMILIAL ADENOMATOUS POLYPOSIS 1, ATTENUATED; POLYPOSIS, ADENOMATOUS INTESTINAL. Identifiers: MedGen C2713442, MONDO:0021056, OMIM 175100. Disease mechanism: loss of function.
APC-related disorder. Also called: APC-related condition.
Hereditary cancer-predisposing syndrome. Also called: Hereditary neoplastic syndrome; Neoplastic Syndromes, Hereditary; Hereditary Cancer Syndrome; Tumor predisposition. Identifiers: Orphanet 140162, MedGen C0027672, MeSH D009386, MONDO:0015356.

Submissions (6):

PreventionGenetics, part of Exact Sciences
Classification: Uncertain significance for APC-related condition. Last evaluated: 2026-07-08. Review status: criteria provided, single submitter. Criteria: ACMG Guidelines, 2015. Collection method: clinical testing. Allele origin: germline.
Comment: The APC c.4850_4855del6 variant is predicted to result in an in-frame deletion (p.Leu1617_Leu1618del). To our knowledge, this variant has not been reported in the literature or in a large population database (gnomAD), indicating this variant is rare. It is classified as uncertain in ClinVar (Variation ID: 371929). At this time, the clinical significance of this variant is uncertain due to the absence of conclusive functional and genetic evidence.

Labcorp Genetics (formerly Invitae), Labcorp
Classification: Uncertain significance for Familial adenomatous polyposis 1. Last evaluated: 2025-07-30. Review status: criteria provided, single submitter. Criteria: Invitae Variant Classification Sherloc (09022015). Collection method: clinical testing. Allele origin: germline.
Comment: This variant, c.4850_4855del, results in the deletion of 2 amino acid(s) of the APC protein (p.Leu1617_Leu1618del), but otherwise preserves the integrity of the reading frame. This variant is not present in population databases (gnomAD no frequency). This variant has not been reported in the literature in individuals affected with APC-related conditions. ClinVar contains an entry for this variant (Variation ID: 371929). Experimental studies and prediction algorithms are not available or were not evaluated, and the functional significance of this variant is currently unknown. In summary, the available evidence is currently insufficient to determine the role of this variant in disease. Therefore, it has been classified as a Variant of Uncertain Significance.

Ambry Genetics
Classification: Uncertain significance for Hereditary cancer-predisposing syndrome. Last evaluated: 2025-02-21. Review status: criteria provided, single submitter. Criteria: Ambry Variant Classification Scheme 2023. Collection method: clinical testing. Allele origin: germline.
Comment: The c.4850_4855delTTCTAC variant (also known as p.L1617_L1618del) is located in coding exon 15 of the APC gene. This variant results from an in-frame TTCTAC deletion at nucleotide positions 4850 to 4855. This results in the in-frame deletion of two leucine residues between codons 1617 and 1618. This amino acid region is well conserved in available vertebrate species. In addition, this alteration is predicted to be deleterious by in silico analysis (Choi Y et al. PLoS ONE. 2012; 7(10):e46688). Since supporting evidence is limited at this time, the clinical significance of this alteration remains unclear.

Myriad Genetics, Inc.
Classification: Uncertain significance for Familial adenomatous polyposis 1. Last evaluated: 2023-02-14. Review status: criteria provided, single submitter. Criteria: Myriad Autosomal Dominant, Autosomal Recessive and X-Linked Classification Criteria (2023). Collection method: clinical testing. Allele origin: unknown.
Comment: This variant is classified as a variant of uncertain significance as there is insufficient evidence to determine its impact on protein function and/or cancer risk.

Color Diagnostics, LLC DBA Color Health
Classification: Uncertain significance for Hereditary cancer-predisposing syndrome. Last evaluated: 2019-03-02. Review status: criteria provided, single submitter. Criteria: ACMG Guidelines, 2015. Collection method: clinical testing. Allele origin: germline.

Counsyl
Classification: Uncertain significance for Familial adenomatous polyposis 1. Last evaluated: 2016-08-25. Review status: no assertion criteria provided. Collection method: clinical testing. Allele origin: unknown. Not counted in ClinVar's aggregate classification.

NM_000038.6(APC):c.4850_4855del (p.Leu1617_Leu1618del)

Gene: APC (APC regulator of Wnt signaling pathway; plus strand). Cytogenetic location: 5q22.2.
Variant type: Deletion.
Coding change: c.4850_4855del on transcript NM_000038.6 (MANE Select); coding-DNA positions 4850 to 4855, 6 bases deleted (TTCTAC; older notation c.4850_4855delTTCTAC).
Protein change: p.Leu1617_Leu1618del.
Molecular consequence: inframe deletion.
Genome position (GRCh38, 1-based): chr5:112,840,444-112,840,449, TTCTAC deleted; deleting any 6 consecutive bases within chr5:112,840,442-112,840,449 gives the same sequence; the c. name uses the placement nearest the transcript's 3' end. VCF-style (leftmost placement, unchanged base first): chr5-112840441-AACTTCT-A. GRCh37 (hg19) VCF-style: chr5-112176138-AACTTCT-A.
Other names: c.4850_4855del, p.Leu1617_Leu1618del (NM_001127510.3, NM_001354895.2); c.4796_4801del, p.Leu1599_Leu1600del (NM_001127511.3); c.4904_4909del, p.Leu1635_Leu1636del (NM_001354896.2); c.4880_4885del, p.Leu1627_Leu1628del (NM_001354897.2); c.4775_4780del, p.Leu1592_Leu1593del (NM_001354898.2); c.4766_4771del, p.Leu1589_Leu1590del (NM_001354899.2); c.4727_4732del, p.Leu1576_Leu1577del (NM_001354900.2); c.4673_4678del, p.Leu1558_Leu1559del (NM_001354901.2); and 6 more.
Identifiers: ClinVar variation 371929 (VCV000371929.20), dbSNP rs1057517588, ClinGen allele CA16042096.